The following is an entry in ClinVar:

NM_001378609.3(OTOGL):c.3063G>C (p.Gln1021His)

Gene: OTOGL (otogelin like; plus strand). Cytogenetic location: 12q21.31.
Variant type: single nucleotide variant.
Coding change: c.3063G>C on transcript NM_001378609.3 (MANE Select); coding-DNA position 3063, G replaced by C.
Protein change: p.Gln1021His; replaces glutamine 1021 with histidine.
Molecular consequence: missense variant. On other transcripts: intron variant (1).
Genome position (GRCh38, 1-based): chr12:80,296,961, G>C. VCF-style: chr12-80296961-G-C. GRCh37 (hg19) VCF-style: chr12-80690741-G-C.
Other names: c.3063G>C, p.Gln1021His (NM_001378610.3, NM_173591.7); c.2929-5673G>C (NM_001368062.3); short protein forms Q1021H.
Identifiers: ClinVar variation 1385108 (VCV001385108.6), dbSNP rs369700813, ClinGen allele CA6700952.

ClinVar aggregate classification (germline): Uncertain significance (1 of 4 stars; one submission).

Allele frequency attached by ClinVar (database versions not stated): gnomAD exomes 0.00001; gnomAD 0.00002; TOPMed 0.00002; ExAC 0.00004; ESP Exome Variant Server 0.00008.
gnomAD v4.1: 29 of 1,538,696 alleles (0.0019%); highest among the groups gnomAD compares: Non-Finnish European, 0.0025%; no homozygotes.

Submission:

Labcorp Genetics (formerly Invitae), Labcorp
Classification: Uncertain significance. Last evaluated: 2021-11-16. Review status: criteria provided, single submitter. Criteria: Invitae Variant Classification Sherloc (09022015). Collection method: clinical testing. Allele origin: germline.
Comment: In summary, the available evidence is currently insufficient to determine the role of this variant in disease. Therefore, it has been classified as a Variant of Uncertain Significance. Variants that disrupt the consensus splice site are a relatively common cause of aberrant splicing (PMID: 17576681, 9536098). Algorithms developed to predict the effect of sequence changes on RNA splicing suggest that this variant may disrupt the consensus splice site. Algorithms developed to predict the effect of missense changes on protein structure and function are either unavailable or do not agree on the potential impact of this missense change (SIFT: "Tolerated"; PolyPhen-2: "Possibly Damaging"; Align-GVGD: "Class C0"). This variant has not been reported in the literature in individuals affected with OTOGL-related conditions. This variant is present in population databases (rs369700813, gnomAD 0.002%). This sequence change replaces glutamine, which is neutral and polar, with histidine, which is basic and polar, at codon 1012 of the OTOGL protein (p.Gln1012His). This variant also falls at the last nucleotide of exon 26, which is part of the consensus splice site for this exon.

Literature cited by the submitters: PubMed 17576681; PubMed 9536098.